The following is an entry in ClinVar:

NM_002485.5(NBN):c.279G>A (p.Ser93=)

Gene: NBN (nibrin; minus strand). Cytogenetic location: 8q21.3.
Variant type: single nucleotide variant.
Coding change: c.279G>A on transcript NM_002485.5 (MANE Select); coding-DNA position 279, G replaced by A.
Protein change: p.Ser93=; no amino-acid change (serine 93 retained).
Molecular consequence: synonymous variant.
Genome position (GRCh38, 1-based): chr8:89,981,416, C>T on the plus strand (G>A on the coding strand, the complement: NBN is on the minus strand). VCF-style: chr8-89981416-C-T. GRCh37 (hg19) VCF-style: chr8-90993644-C-T.
Other names: c.33G>A, p.Ser11= (NM_001024688.3).
Identifiers: ClinVar variation 136044 (VCV000136044.21), dbSNP rs587780781, ClinGen allele CA194550.

ClinVar aggregate classification (germline): Benign/Likely benign. Review status: criteria provided, multiple submitters, no conflicts (2 of 4 stars). 6 submissions from 6 submitters: Benign (2); Likely benign (4). Last evaluated 2026-01-28.

Conditions:
Hereditary cancer-predisposing syndrome. Also called: Tumor predisposition; Hereditary neoplastic syndrome; Neoplastic Syndromes, Hereditary; Hereditary Cancer Syndrome. Identifiers: Orphanet 140162, MedGen C0027672, MeSH D009386, MONDO:0015356.
Microcephaly, normal intelligence and immunodeficiency (NBS). Also called: BERLIN BREAKAGE SYNDROME; Nijmegen breakage syndrome; Microcephaly with normal intelligence immunodeficiency and lymphoreticular malignancies; Nonsyndromal microcephaly autosomal recessive with normal intelligence; Seemanova syndrome 2; Ataxia telangiectasia variant V1. Identifiers: Orphanet 647, MedGen C0398791, MONDO:0009623, OMIM 251260.

Allele frequency attached by ClinVar (database versions not stated): gnomAD exomes 0.00004 and 0.00019; TOPMed 0.00009; gnomAD 0.00011; ExAC 0.00030.
gnomAD v4.1: 77 of 1,613,900 alleles (0.0048%); highest among the groups gnomAD compares: Admixed American, 0.072%; 2 homozygotes.

Submissions (6):

Labcorp Genetics (formerly Invitae), Labcorp
Classification: Benign for Microcephaly, normal intelligence and immunodeficiency. Last evaluated: 2026-01-28. Review status: criteria provided, single submitter. Criteria: Invitae Variant Classification Sherloc (09022015). Collection method: clinical testing. Allele origin: germline.

Women's Health and Genetics/Laboratory Corporation of America, LabCorp
Classification: Likely benign. Last evaluated: 2022-11-05. Review status: criteria provided, single submitter. Criteria: LabCorp Variant Classification Summary - May 2015. Collection method: clinical testing. Allele origin: germline.

Blueprint Genetics
Classification: Likely benign. Last evaluated: 2022-01-14. Review status: criteria provided, single submitter. Criteria: ACMG Guidelines, 2015. Collection method: clinical testing. Allele origin: germline.

Sema4
Classification: Likely benign for Hereditary cancer-predisposing syndrome. Last evaluated: 2021-08-17. Review status: criteria provided, single submitter. Criteria: Sema4 Curation Guidelines. Collection method: curation. Allele origin: germline.

GeneDx
Classification: Benign. Last evaluated: 2015-05-08. Review status: criteria provided, single submitter. Criteria: GeneDx Variant Classification (06012015). Collection method: clinical testing. Allele origin: germline. Affected: yes.
Comment: This variant is considered likely benign or benign based on one or more of the following criteria: it is a conservative change, it occurs at a poorly conserved position in the protein, it is predicted to be benign by multiple in silico algorithms, and/or has population frequency not consistent with disease.

Ambry Genetics
Classification: Likely benign for Hereditary cancer-predisposing syndrome. Last evaluated: 2014-09-30. Review status: criteria provided, single submitter. Criteria: Ambry Variant Classification Scheme 2023. Collection method: clinical testing. Allele origin: germline.